The following is an entry in ClinVar:

NM_017662.5(TRPM6):c.1624T>A (p.Tyr542Asn)

Gene: TRPM6 (transient receptor potential cation channel subfamily M member 6; minus strand). Cytogenetic location: 9q21.13.
Variant type: single nucleotide variant.
Coding change: c.1624T>A on transcript NM_017662.5 (MANE Select); coding-DNA position 1624, T replaced by A.
Protein change: p.Tyr542Asn; replaces tyrosine 542 with asparagine.
Molecular consequence: missense variant.
Genome position (GRCh38, 1-based): chr9:74,808,048, A>T on the plus strand (T>A on the coding strand, the complement: TRPM6 is on the minus strand). VCF-style: chr9-74808048-A-T. GRCh37 (hg19) VCF-style: chr9-77422964-A-T.
Other names: c.1609T>A, p.Tyr537Asn (NM_001177310.2, NM_001177311.2); short protein forms Y542N, Y537N.
Identifiers: ClinVar variation 2117152 (VCV002117152.1), dbSNP rs2490042146, ClinGen allele CA373690391.

ClinVar aggregate classification (germline): Uncertain significance (1 of 4 stars; one submission).

Submission:

Labcorp Genetics (formerly Invitae), Labcorp
Classification: Uncertain significance. Last evaluated: 2022-06-12. Review status: criteria provided, single submitter. Criteria: Invitae Variant Classification Sherloc (09022015). Collection method: clinical testing. Allele origin: germline.
Comment: This sequence change replaces tyrosine, which is neutral and polar, with asparagine, which is neutral and polar, at codon 542 of the TRPM6 protein (p.Tyr542Asn). This variant is not present in population databases (gnomAD no frequency). This variant has not been reported in the literature in individuals affected with TRPM6-related conditions. Algorithms developed to predict the effect of missense changes on protein structure and function are either unavailable or do not agree on the potential impact of this missense change (SIFT: "Deleterious"; PolyPhen-2: "Benign"; Align-GVGD: "Class C0"). In summary, the available evidence is currently insufficient to determine the role of this variant in disease. Therefore, it has been classified as a Variant of Uncertain Significance.